The following is an entry in ClinVar:

NM_194248.3(OTOF):c.2935G>A (p.Gly979Arg)

Gene: OTOF (otoferlin; minus strand). Cytogenetic location: 2p23.3.
Variant type: single nucleotide variant.
Coding change: c.2935G>A on transcript NM_194248.3 (MANE Select); coding-DNA position 2935, G replaced by A.
Protein change: p.Gly979Arg; replaces glycine 979 with arginine.
Molecular consequence: missense variant.
Genome position (GRCh38, 1-based): chr2:26,475,970, C>T on the plus strand (G>A on the coding strand, the complement: OTOF is on the minus strand). VCF-style: chr2-26475970-C-T. GRCh37 (hg19) VCF-style: chr2-26698838-C-T.
Other names: c.2935G>A (NM_194248.2); c.2935G>A, p.Gly979Arg (NM_001287489.2); c.694G>A, p.Gly232Arg (NM_004802.4, NM_194323.3); c.865G>A, p.Gly289Arg (NM_194322.3); short protein forms G232R, G289R, G979R.
Identifiers: ClinVar variation 2500665 (VCV002500665.3), dbSNP rs1238814392, ClinGen allele CA346112908.
Genomic context (GRCh38, chr2:26,475,970, plus strand): 5'-TCACCTCTGTGCACTGACTCTGATTGATGAAGAAGACGCGGGCAAAGGGGTCTGAGAGTC[C>T]GCTGCTGTCGGCGGCAAAGAGGCTGCGGGCCTGGTACATGTGCGCTCGGAGCTGGAACGC-3'
Protein context (NP_919224.1, residues 969-989): ARSLFAADSS[Gly979Arg]LSDPFARVFF

ClinVar aggregate classification (germline): Uncertain significance. Review status: criteria provided, multiple submitters, no conflicts (2 of 4 stars). 3 submissions from 3 submitters: Uncertain significance (3). Last evaluated 2026-03-25.

Conditions:
OTOF-related disorder. Also called: OTOF-related condition.

Submissions (3):

PreventionGenetics, part of Exact Sciences
Classification: Uncertain significance for OTOF-related condition. Last evaluated: 2026-03-25. Review status: criteria provided, single submitter. Criteria: ACMG Guidelines, 2015. Collection method: clinical testing. Allele origin: germline.
Comment: The OTOF c.2935G>A variant is predicted to result in the amino acid substitution p.Gly979Arg. To our knowledge, this variant has not been reported in the literature. This variant is reported in 0.0029% of alleles in individuals of Latino descent in gnomAD. At this time, the clinical significance of this variant is uncertain due to the absence of conclusive functional and genetic evidence.

Blueprint Genetics
Classification: Uncertain significance. Last evaluated: 2023-08-21. Review status: criteria provided, single submitter. Criteria: ACMG Guidelines, 2015. Collection method: clinical testing. Allele origin: germline.

GeneDx
Classification: Uncertain significance. Last evaluated: 2023-04-24. Review status: criteria provided, single submitter. Criteria: GeneDx Variant Classification Process June 2021. Collection method: clinical testing. Allele origin: germline. Affected: yes.
Comment: Not observed at significant frequency in large population cohorts (gnomAD); In silico analysis supports that this missense variant has a deleterious effect on protein structure/function; Has not been previously published as pathogenic or benign to our knowledge